The following is an entry in ClinVar:

ClinVar aggregate classification (germline): Pathogenic. Review status: criteria provided, single submitter (1 of 4 stars). 2 submissions from 2 submitters: Pathogenic (1). 1 of the submissions does not count toward it. Last evaluated 2023-01-05.

Conditions:
Intellectual developmental disorder, X-linked 97. Also called: Intellectual disability, X-linked 97. Identifiers: Orphanet 777, MedGen C2749020, MONDO:0010430, OMIM 300803.

Submissions (2):

GeneDx
Classification: Pathogenic. Last evaluated: 2023-01-05. Review status: criteria provided, single submitter. Criteria: GeneDx Variant Classification Process June 2021. Collection method: clinical testing. Allele origin: germline. Affected: yes.
Comment: Published functional studies demonstrate a damaging effect on KDM5C transactivation activity (Poeta et al., 2019); Nonsense variant predicted to result in protein truncation, as the last 53 amino acids are lost, and other loss-of-function variants have been reported downstream in HGMD; Not observed at significant frequency in large population cohorts (gnomAD); This variant is associated with the following publications: (PMID: 34992252, 31691806, 19377476)

OMIM
Classification: Pathogenic for INTELLECTUAL DEVELOPMENTAL DISORDER, X-LINKED 97. Last evaluated: 2009-05-01. Review status: no assertion criteria provided. Collection method: literature only. Allele origin: germline. Not counted in ClinVar's aggregate classification.

Literature cited by the submitters: PubMed 19377476 (cited by OMIM).

NM_001330574.2(ZNF711):c.2265_2266del (p.Cys755_Glu756delinsTer)

Gene: ZNF711 (ZFX family zinc finger ZNF711; plus strand). Cytogenetic location: Xq21.1.
Variant type: Microsatellite.
Coding change: c.2265_2266del on transcript NM_001330574.2 (MANE Select); coding-DNA positions 2265 to 2266, 2 bases deleted (TG; older notation c.2265_2266delTG).
Protein change: p.Cys755_Glu756delinsTer.
Molecular consequence: nonsense.
Genome position (GRCh38, 1-based): chrX:85,271,669-85,271,670, TG deleted; deleting any 2 consecutive bases within chrX:85,271,667-85,271,670 gives the same sequence; the c. name uses the placement nearest the transcript's 3' end. VCF-style (leftmost placement, unchanged base first): chrX-85271666-TTG-T. GRCh37 (hg19) VCF-style: chrX-84526672-TTG-T.
Other names: c.2127_2128del (NM_021998.4); c.2127_2128delTG (NM_021998.4); c.2127_2128del, p.Cys709_Glu710delinsTer (NM_001375434.1, NM_001375435.1, NM_001375436.1 and 2 more transcripts); c.2265_2266del, p.Cys755_Glu756delinsTer (NM_001375431.1, NM_001375432.1, NM_001375433.1).
Identifiers: ClinVar variation 9762 (VCV000009762.3), dbSNP rs1603009115, ClinGen allele CA913185079.